The following is an entry in ClinVar:

NM_001009944.3(PKD1):c.7261A>C (p.Thr2421Pro)

Gene: PKD1 (polycystin 1, transient receptor potential channel interacting; minus strand). Cytogenetic location: 16p13.3.
Variant type: single nucleotide variant.
Coding change: c.7261A>C on transcript NM_001009944.3 (MANE Select); coding-DNA position 7261, A replaced by C.
Protein change: p.Thr2421Pro; replaces threonine 2421 with proline.
Molecular consequence: missense variant.
Genome position (GRCh38, 1-based): chr16:2,106,626, T>G on the plus strand (A>C on the coding strand, the complement: PKD1 is on the minus strand). VCF-style: chr16-2106626-T-G. GRCh37 (hg19) VCF-style: chr16-2156627-T-G.
Other names: c.7261A>C, p.Thr2421Pro (NM_000296.4); short protein forms T2421P.
Identifiers: ClinVar variation 5005528 (VCV005005528.2).

ClinVar aggregate classification (germline): Uncertain significance (1 of 4 stars; one submission).

Conditions:
Polycystic kidney disease, adult type (PKD1). Also called: POLYCYSTIC KIDNEY DISEASE, ADULT, TYPE I; Polycystic Kidney, Autosomal Dominant; Polycystic Kidney Disease 1, Autosomal Dominant; Polycystic kidney disease 1; Polycystic kidney disease 1, severe; POLYCYSTIC KIDNEY DISEASE 1 WITH OR WITHOUT POLYCYSTIC LIVER DISEASE. Identifiers: MedGen C3149841, MONDO:0008263, OMIM 173900.

Submission:

Juno Genomics, Hangzhou Juno Genomics, Inc
Classification: Uncertain significance for Polycystic kidney disease, adult type. Review status: criteria provided, single submitter. Criteria: ACMG Guidelines, 2015. Collection method: clinical testing. Allele origin: germline.
Comment: Absent from controls (or at extremely low frequency if recessive) in Genome Aggregation Database.